The following is an entry in ClinVar:

NM_000059.4(BRCA2):c.4619_4623del (p.Asp1540fs)

Gene: BRCA2 (BRCA2 DNA repair associated; plus strand). Cytogenetic location: 13q13.1.
Variant type: Deletion.
Coding change: c.4619_4623del on transcript NM_000059.4 (MANE Select); coding-DNA positions 4619 to 4623, 5 bases deleted (ACAAA; older notation c.4619_4623delACAAA).
Protein change: p.Asp1540fs; shifts the reading frame from aspartic acid 1540.
Molecular consequence: frameshift variant.
Genome position (GRCh38, 1-based): chr13:32,338,974-32,338,978, ACAAA deleted. VCF-style (leftmost placement, unchanged base first): chr13-32338973-GACAAA-G. GRCh37 (hg19) VCF-style: chr13-32913110-GACAAA-G.
Other names: c.4619_4623delACAAA (NM_000059.3); c.4619_4623del (NM_000059.3); short protein forms D1540fs.
Identifiers: ClinVar variation 225742 (VCV000225742.16), dbSNP rs869320793, ClinGen allele CA10576067.
Genomic context (GRCh38, chr13:32,338,973, plus strand): 5'-ACTCTATTGGGTTTTCATACAGCTAGCGGGAAAAAAGTTAAAATTGCAAAGGAATCTTTG[GACAAA>G]GTGAAAAACCTTTTTGATGAAAAAGAGCAAGGTACTAGTGAAATCACCAGTTTTAGCCAT-3'

ClinVar aggregate classification (germline): Pathogenic. Review status: reviewed by expert panel (3 of 4 stars). 6 submissions from 6 submitters: Pathogenic (1). 5 of the submissions do not count toward it. Last evaluated 2017-12-15.

Conditions:
Hereditary cancer-predisposing syndrome. Also called: Tumor predisposition; Neoplastic Syndromes, Hereditary; Hereditary neoplastic syndrome; Hereditary Cancer Syndrome. Identifiers: Orphanet 140162, MedGen C0027672, MeSH D009386, MONDO:0015356.
Breast-ovarian cancer, familial, susceptibility to, 2 (BROVCA2). Also called: BRCA2 Hereditary Breast and Ovarian Cancer. Identifiers: Orphanet 145, MedGen C2675520, MONDO:0012933, OMIM 612555. Disease mechanism: loss of function.
Familial cancer of breast. Also called: Hereditary breast cancer; hereditary breast carcinoma; BREAST CANCER, FAMILIAL. Identifiers: Orphanet 227535, MedGen C0346153, MONDO:0016419, OMIM 114480. Disease mechanism: loss of function.
Hereditary breast ovarian cancer syndrome. Also called: Hereditary breast and/or ovarian cancer syndrome; Hereditary breast and ovarian cancer syndrome (HBOC); Breast and ovarian cancer; Hereditary breast and ovarian cancer; BRCA1- and BRCA2-Associated Hereditary Breast and Ovarian Cancer; Hereditary breast and ovarian cancer syndrome. Identifiers: Orphanet 145, MedGen C0677776, MeSH D061325, MONDO:0003582. Disease mechanism: loss of function.

Submissions (6):

Evidence-based Network for the Interpretation of Germline Mutant Alleles (ENIGMA)
Classification: Pathogenic for Breast-ovarian cancer, familial, susceptibility to, 2. Last evaluated: 2017-12-15. Review status: reviewed by expert panel. Criteria: ENIGMA BRCA1/2 Classification Criteria (2017-06-29). Collection method: curation. Allele origin: germline. Study: ENIGMA.
Comment: Variant allele predicted to encode a truncated non-functional protein.

Ambry Genetics
Classification: Pathogenic for Hereditary cancer-predisposing syndrome. Last evaluated: 2024-08-16. Review status: criteria provided, single submitter. Criteria: Ambry Variant Classification Scheme 2023. Collection method: clinical testing. Allele origin: germline. Not counted in ClinVar's aggregate classification.
Comment: The c.4619_4623delACAAA pathogenic mutation, located in coding exon 10 of the BRCA2 gene, results from a deletion of 5 nucleotides at nucleotide positions 4619 to 4623, causing a translational frameshift with a predicted alternate stop codon (p.D1540Gfs*6). This variant is considered to be rare based on population cohorts in the Genome Aggregation Database (gnomAD). This alteration is expected to result in loss of function by premature protein truncation or nonsense-mediated mRNA decay. As such, this alteration is interpreted as a disease-causing mutation.

Baylor Genetics
Classification: Likely pathogenic for Familial cancer of breast. Last evaluated: 2024-03-22. Review status: criteria provided, single submitter. Criteria: ACMG Guidelines, 2015. Collection method: clinical testing. Allele origin: unknown. Not counted in ClinVar's aggregate classification.

Labcorp Genetics (formerly Invitae), Labcorp
Classification: Pathogenic for Hereditary breast ovarian cancer syndrome. Last evaluated: 2023-09-27. Review status: criteria provided, single submitter. Criteria: Invitae Variant Classification Sherloc (09022015). Collection method: clinical testing. Allele origin: germline. Not counted in ClinVar's aggregate classification.
Comment: For these reasons, this variant has been classified as Pathogenic. ClinVar contains an entry for this variant (Variation ID: 225742). This variant has not been reported in the literature in individuals affected with BRCA2-related conditions. This variant is not present in population databases (gnomAD no frequency). This sequence change creates a premature translational stop signal (p.Asp1540Glyfs*6) in the BRCA2 gene. It is expected to result in an absent or disrupted protein product. Loss-of-function variants in BRCA2 are known to be pathogenic (PMID: 20104584).

Revvity Omics, Revvity
Classification: Likely pathogenic. Last evaluated: 2023-04-13. Review status: criteria provided, single submitter. Criteria: ACMG Guidelines, 2015. Collection method: clinical testing. Allele origin: germline. Not counted in ClinVar's aggregate classification.

Molecular Genetics Laboratory, University of Michigan
Classification: Pathogenic for Breast-ovarian cancer, familial, susceptibility to, 2. Last evaluated: 2016-04-21. Review status: criteria provided, single submitter. Criteria: ACMG Guidelines, 2015. Collection method: clinical testing. Allele origin: germline. Affected: yes. Not counted in ClinVar's aggregate classification.

Literature cited by the submitters: PubMed 20104584 (cited by Labcorp Genetics (formerly Invitae), Labcorp).